The following is an entry in ClinVar:

ClinVar aggregate classification (germline): Pathogenic (1 of 4 stars; one submission).

Submission:

Labcorp Genetics (formerly Invitae), Labcorp
Classification: Pathogenic. Last evaluated: 2023-06-19. Review status: criteria provided, single submitter. Criteria: Invitae Variant Classification Sherloc (09022015). Collection method: clinical testing. Allele origin: germline.
Comment: This variant has not been reported in the literature in individuals affected with ADGRV1-related conditions. This sequence change creates a premature translational stop signal (p.Val2432Trpfs*35) in the ADGRV1 gene. It is expected to result in an absent or disrupted protein product. Loss-of-function variants in ADGRV1 are known to be pathogenic (PMID: 19357117, 22135276, 22147658, 26226137, 30718709, 31047384, 32467589). This variant is not present in population databases (gnomAD no frequency). For these reasons, this variant has been classified as Pathogenic.

Literature cited by the submitters: PubMed 19357117; PubMed 22135276; PubMed 22147658; PubMed 26226137; PubMed 30718709; PubMed 31047384; PubMed 32467589.

NM_032119.4(ADGRV1):c.7293del (p.Val2432fs)

Gene: ADGRV1 (adhesion G protein-coupled receptor V1; plus strand). Cytogenetic location: 5q14.3.
Variant type: Deletion.
Coding change: c.7293del on transcript NM_032119.4 (MANE Select); coding-DNA position 7293, one base deleted (C; older notation c.7293delC).
Protein change: p.Val2432fs; shifts the reading frame from valine 2432.
Molecular consequence: frameshift variant. On other transcripts: non-coding transcript variant (1).
Genome position (GRCh38, 1-based): chr5:90,694,049, C deleted; the last of 2 consecutive C bases (chr5:90,694,048-90,694,049); deleting either gives the same sequence. VCF-style (leftmost placement, unchanged base first): chr5-90694047-GC-G. GRCh37 (hg19) VCF-style: chr5-89989864-GC-G.
Other names: short protein forms V2432fs.
Identifiers: ClinVar variation 2705587 (VCV002705587.3), dbSNP rs2530947103, ClinGen allele CA2697546302.
Genomic context (GRCh38, chr5:90,694,047, plus strand): 5'-TATGAATCTCCAATTCAAGGGGTGCCTGACCCACTTTGGAGAACTTGGATGAATGTCTCT[GC>G]CGTGGGGGAGCCCCTGTATACCTGTGCCACTTTGTGCCTTAAGGAACAAGCTTGCTCAGC-3'